The following is an entry in ClinVar:

NM_020066.5(FMN2):c.618G>T (p.Gln206His)

Gene: FMN2 (formin 2; plus strand). Cytogenetic location: 1q43.
Variant type: single nucleotide variant.
Coding change: c.618G>T on transcript NM_020066.5 (MANE Select); coding-DNA position 618, G replaced by T.
Protein change: p.Gln206His; replaces glutamine 206 with histidine.
Molecular consequence: missense variant.
Genome position (GRCh38, 1-based): chr1:240,092,727, G>T. VCF-style: chr1-240092727-G-T. GRCh37 (hg19) VCF-style: chr1-240256027-G-T.
Other names: c.618G>T, p.Gln206His (NM_001305424.2, NM_001348094.2); short protein forms Q206H.
Identifiers: ClinVar variation 3368716 (VCV003368716.1).

ClinVar aggregate classification (germline): Uncertain significance (1 of 4 stars; one submission).

gnomAD v4.1: 1 of 1,611,714 alleles (0.000062%); highest among the groups gnomAD compares: Admixed American, 0.0017%; no homozygotes.

Submission:

GeneDx
Classification: Uncertain significance. Last evaluated: 2024-02-02. Review status: criteria provided, single submitter. Criteria: GeneDx Variant Classification Process June 2021. Collection method: clinical testing. Allele origin: germline. Affected: yes.
Comment: Not observed at significant frequency in large population cohorts (gnomAD); In silico analysis supports that this missense variant does not alter protein structure/function; Has not been previously published as pathogenic or benign to our knowledge